The following is an entry in ClinVar:

NM_001943.5(DSG2):c.2905G>C (p.Ala969Pro)

Genes: DSG2 (desmoglein 2; plus strand), DSG2-AS1 (DSG2 antisense RNA 1; minus strand). Cytogenetic location: 18q12.1.
Variant type: single nucleotide variant.
Coding change: c.2905G>C on transcript NM_001943.5 (MANE Select); coding-DNA position 2905, G replaced by C.
Protein change: p.Ala969Pro; replaces alanine 969 with proline.
Molecular consequence: missense variant.
Genome position (GRCh38, 1-based): chr18:31,546,291, G>C. VCF-style: chr18-31546291-G-C. GRCh37 (hg19) VCF-style: chr18-29126254-G-C.
Other names: short protein forms A969P.
Identifiers: ClinVar variation 4758193 (VCV004758193.1).

ClinVar aggregate classification (germline): Uncertain significance (1 of 4 stars; one submission).

Conditions:
Cardiomyopathy (CMYO). Also called: Cardiomyopathies. Identifiers: Orphanet 167848, MedGen C0878544, MONDO:0004994, HP:0001638. Inheritance: Various modes of inheritance.

Submission:

Color Diagnostics, LLC DBA Color Health
Classification: Uncertain significance for Cardiomyopathy. Last evaluated: 2025-10-03. Review status: criteria provided, single submitter. Criteria: ACMG Guidelines, 2015. Collection method: clinical testing. Allele origin: germline.
Comment: This missense variant replaces alanine with proline at codon 969 of the DSG2 protein. Computational prediction is inconclusive regarding the impact of this variant on protein structure and function. To our knowledge, functional studies have not been reported for this variant. This variant has not been reported in individuals affected with DSG2-related disorders in the literature. This variant has not been identified in the general population by the Genome Aggregation Database (gnomAD). The available evidence is insufficient to determine the role of this variant in disease conclusively. Therefore, this variant is classified as a Variant of Uncertain Significance.